The following is an entry in ClinVar:

NM_170741.4(KCNJ16):c.142A>T (p.Lys48Ter)

Gene: KCNJ16 (potassium inwardly rectifying channel subfamily J member 16; plus strand). Cytogenetic location: 17q24.3.
Variant type: single nucleotide variant.
Coding change: c.142A>T on transcript NM_170741.4 (MANE Select); coding-DNA position 142, A replaced by T.
Protein change: p.Lys48Ter; replaces lysine 48 with a stop codon.
Molecular consequence: nonsense.
Genome position (GRCh38, 1-based): chr17:70,132,229, A>T. VCF-style: chr17-70132229-A-T. GRCh37 (hg19) VCF-style: chr17-68128370-A-T.
Other names: c.142A>T, p.Lys48Ter (NM_001270422.2, NM_001291622.3, NM_001291623.2 and 4 more transcripts); short protein forms K48*.
Identifiers: ClinVar variation 3773991 (VCV003773991.1).

ClinVar aggregate classification (germline): Uncertain significance (1 of 4 stars; one submission).

gnomAD v4.1: 16 of 1,614,136 alleles (0.00099%); highest among the groups gnomAD compares: African/African-American, 0.021%; no homozygotes.

Submission:

GeneDx
Classification: Uncertain significance. Last evaluated: 2024-09-19. Review status: criteria provided, single submitter. Criteria: GeneDx Variant Classification Process June 2021. Collection method: clinical testing. Allele origin: germline. Affected: yes.
Comment: Nonsense variant predicted to result in protein truncation as the last 371 amino acid(s) are lost; This variant is associated with the following publications: (PMID: 33840812)